The following is an entry in ClinVar:

NC_000003.11:g.(?_186256465)_(186980528_?)del

Genes: EIF4A2 (eukaryotic translation initiation factor 4A2; plus strand), ST6GAL1 (ST6 beta-galactoside alpha-2,6-sialyltransferase 1; plus strand), TBCCD1 (TBCC domain containing 1; minus strand), RPL39L (ribosomal protein L39 like; minus strand), RTP1 (receptor transporter protein 1; plus strand) and 11 more. Cytogenetic location: 3q27.3.
Variant type: Deletion.
Identifiers: ClinVar variation 531899 (VCV000531899.6).

ClinVar aggregate classification (germline): Pathogenic (1 of 4 stars; one submission).

Conditions:
3MC syndrome 1. Also called: OCULOPALATOSKELETAL SYNDROME; CRANIOSYNOSTOSIS WITH LID ANOMALIES; MICHELS SYNDROME. Identifiers: Orphanet 293843, MedGen C0796059, MONDO:0009770, OMIM 257920.

Submission:

Labcorp Genetics (formerly Invitae), Labcorp
Classification: Pathogenic for 3MC syndrome 1. Last evaluated: 2018-12-04. Review status: criteria provided, single submitter. Criteria: Invitae Variant Classification Sherloc (09022015). Collection method: clinical testing. Allele origin: germline.
Comment: For these reasons, this variant has been classified as Pathogenic. This variant disrupts the C-terminus of the MASP1 protein. Another variant that disrupts this region (p.Arg637Cysfs*1) has been determined to be pathogenic (PMID: 29407414). This suggests that variants that disrupt this region of the protein are likely to be causative of disease. This variant has not been reported in the literature in individuals with MASP1-related conditions This variant is a gross deletion of the genomic region encompassing exons 3-11 of the MASP1 gene. The 5' boundary is likely confined to intron 3. The 3' end of this event is unknown as it extends through the termination codon beyond the assayed region for this gene and may encompass additional genes. While this deletion is not anticipated to result in nonsense mediated decay, it is expected to create a truncated protein product or disrupt mRNA translation.

Literature cited by the submitters: PubMed 29407414.